The following is an entry in ClinVar:

ClinVar aggregate classification (germline): Conflicting classifications of pathogenicity. Review status: criteria provided, conflicting classifications (1 of 4 stars). 4 submissions from 4 submitters: Uncertain significance (2); Likely benign (2). Last evaluated 2026-03-24.

Conditions:
Inborn genetic diseases. Identifiers: MedGen C0950123, MeSH D030342.
Autism spectrum disorder. Also called: Autism spectrum disorders. Identifiers: MedGen C1510586, MeSH D000067877, MONDO:0005258.

Allele frequency attached by ClinVar (database versions not stated): ExAC 0.00004; gnomAD 0.00002 and 0.00001; TOPMed 0.00004; ESP Exome Variant Server 0.00008.
gnomAD v4.1: 12 of 1,559,122 alleles (0.00077%); highest among the groups gnomAD compares: African/African-American, 0.0054%; 1 homozygote.

Submissions (4):

Ambry Genetics
Classification: Likely benign for Inborn genetic diseases. Last evaluated: 2026-03-24. Review status: criteria provided, single submitter. Criteria: Ambry Variant Classification Scheme 2023. Collection method: clinical testing. Allele origin: germline.

Labcorp Genetics (formerly Invitae), Labcorp
Classification: Likely benign. Last evaluated: 2025-10-13. Review status: criteria provided, single submitter. Criteria: Invitae Variant Classification Sherloc (09022015). Collection method: clinical testing. Allele origin: germline.

GeneDx
Classification: Uncertain significance. Last evaluated: 2021-07-12. Review status: criteria provided, single submitter. Criteria: GeneDx Variant Classification Process June 2021. Collection method: clinical testing. Allele origin: germline. Affected: yes.
Comment: In silico analysis supports that this missense variant has a deleterious effect on protein structure/function; Has not been previously published as pathogenic or benign to our knowledge; This variant is associated with the following publications: (PMID: 27535533)

Illumina Laboratory Services, Illumina
Classification: Uncertain significance for Autism spectrum disorder. Last evaluated: 2020-06-19. Review status: criteria provided, single submitter. Criteria: ICSLVariantClassificationCriteria RUGD 01 April 2020. Collection method: clinical testing. Allele origin: unknown.
Comment: The CHD8 c.7258C>T (p.Arg2420Cys) variant is a missense variant. A literature search was performed for the gene, cDNA change, and amino acid change. No publications were found based on this search. This variant is found at a frequency of 0.000086 in the East Asian population of the Genome Aggregation Database in a region of good sequence coverage, but is based on one allele only, so the variant is presumed to be rare. Based on the limited evidence, the p.Arg2420Cys variant is classified as a variant of uncertain significance for autism spectrum disorder.

NM_001170629.2(CHD8):c.7258C>T (p.Arg2420Cys)

Gene: CHD8 (chromodomain helicase DNA binding protein 8; minus strand). Cytogenetic location: 14q11.2.
Variant type: single nucleotide variant.
Coding change: c.7258C>T on transcript NM_001170629.2 (MANE Select); coding-DNA position 7258, C replaced by T.
Protein change: p.Arg2420Cys; replaces arginine 2420 with cysteine.
Molecular consequence: missense variant.
Genome position (GRCh38, 1-based): chr14:21,386,101, G>A on the plus strand (C>T on the coding strand, the complement: CHD8 is on the minus strand). VCF-style: chr14-21386101-G-A. GRCh37 (hg19) VCF-style: chr14-21854260-G-A.
Other names: c.6421C>T, p.Arg2141Cys (NM_020920.4); short protein forms R2141C, R2420C.
Identifiers: ClinVar variation 989319 (VCV000989319.15), dbSNP rs371294659, ClinGen allele CA7090568.